The following is an entry in ClinVar:

ClinVar aggregate classification (germline): Uncertain significance. Review status: criteria provided, multiple submitters, no conflicts (2 of 4 stars). 4 submissions from 4 submitters: Uncertain significance (4). Last evaluated 2026-02-01.

Conditions:
Inborn genetic diseases. Identifiers: MedGen C0950123, MeSH D030342.
Developmental and epileptic encephalopathy, 18 (DEE18). Also called: Early infantile epileptic encephalopathy 18. Identifiers: Orphanet 369894, MedGen C3809624, MONDO:0014201, OMIM 615476.

Allele frequency attached by ClinVar (database versions not stated): ExAC 0.00001; gnomAD 0.00001; TOPMed 0.00001; gnomAD exomes below 0.00001.
gnomAD v4.1: 11 of 1,598,308 alleles (0.00069%); highest among the groups gnomAD compares: Middle Eastern, 0.016%; no homozygotes.

Submissions (4):

CeGaT Center for Human Genetics Tuebingen
Classification: Uncertain significance. Last evaluated: 2026-02-01. Review status: criteria provided, single submitter. Criteria: CeGaT Center For Human Genetics Tuebingen Variant Classification Criteria Version 2. Collection method: clinical testing. Allele origin: germline. Affected: yes. Observed: 1 variant allele.
Comment: SZT2: PM2, PP3

Genome-Nilou Lab
Classification: Uncertain significance for Developmental and epileptic encephalopathy, 18. Last evaluated: 2023-04-11. Review status: criteria provided, single submitter. Criteria: ACMG Guidelines, 2015. Collection method: clinical testing. Allele origin: germline. Affected: no.

Labcorp Genetics (formerly Invitae), Labcorp
Classification: Uncertain significance. Last evaluated: 2021-09-01. Review status: criteria provided, single submitter. Criteria: Invitae Variant Classification Sherloc (09022015). Collection method: clinical testing. Allele origin: germline.
Comment: This sequence change replaces arginine with histidine at codon 492 of the SZT2 protein (p.Arg492His). The arginine residue is weakly conserved and there is a small physicochemical difference between arginine and histidine. This variant is present in population databases (rs755403943, ExAC 0.006%). This variant has not been reported in the literature in individuals affected with SZT2-related conditions. Algorithms developed to predict the effect of missense changes on protein structure and function are either unavailable or do not agree on the potential impact of this missense change (SIFT: "Tolerated"; PolyPhen-2: "Probably Damaging"; Align-GVGD: "Class C0"). In summary, the available evidence is currently insufficient to determine the role of this variant in disease. Therefore, it has been classified as a Variant of Uncertain Significance.

Ambry Genetics
Classification: Uncertain significance for Inborn genetic diseases. Last evaluated: 2018-01-11. Review status: criteria provided, single submitter. Criteria: Ambry Variant Classification Scheme 2023. Collection method: clinical testing. Allele origin: germline.
Comment: The p.R492H variant (also known as c.1475G>A), located in coding exon 10 of the SZT2 gene, results from a G to A substitution at nucleotide position 1475. The arginine at codon 492 is replaced by histidine, an amino acid with highly similar properties. This amino acid position is highly conserved in available vertebrate species. In addition, the in silico prediction for this alteration is inconclusive. Since supporting evidence is limited at this time, the clinical significance of this alteration remains unclear.

NM_001365999.1(SZT2):c.1475G>A (p.Arg492His)

Gene: SZT2 (SZT2 subunit of KICSTOR complex; plus strand). Cytogenetic location: 1p34.2.
Variant type: single nucleotide variant.
Coding change: c.1475G>A on transcript NM_001365999.1 (MANE Select); coding-DNA position 1475, G replaced by A.
Protein change: p.Arg492His; replaces arginine 492 with histidine.
Molecular consequence: missense variant.
Genome position (GRCh38, 1-based): chr1:43,420,962, G>A. VCF-style: chr1-43420962-G-A. GRCh37 (hg19) VCF-style: chr1-43886633-G-A.
Other names: c.1475G>A, p.Arg492His (NM_015284.4); short protein forms R492H.
Identifiers: ClinVar variation 1019771 (VCV001019771.12), dbSNP rs755403943, ClinGen allele CA808421.